The following is an entry in ClinVar:

ClinVar aggregate classification (germline): Conflicting classifications of pathogenicity. Review status: criteria provided, conflicting classifications (1 of 4 stars). 6 submissions from 6 submitters: Uncertain significance (5); Likely benign (1). Last evaluated 2025-12-01.

Conditions:
Hereditary cancer-predisposing syndrome. Also called: Tumor predisposition; Hereditary neoplastic syndrome; Neoplastic Syndromes, Hereditary; Hereditary Cancer Syndrome. Identifiers: Orphanet 140162, MedGen C0027672, MeSH D009386, MONDO:0015356.
Familial meningioma. Also called: Meningioma, familial, susceptibility to. Identifiers: Orphanet 263662, MedGen C3551915, MONDO:0011789, OMIM 607174.
Neurofibromatosis, type 2 (SWNV). Also called: NF2-Related Schwannomatosis; BILATERAL ACOUSTIC NEUROFIBROMATOSIS; SCHWANNOMATOSIS, VESTIBULAR. Identifiers: Orphanet 637, MedGen C0027832, MONDO:0007039, OMIM 101000. Disease mechanism: loss of function.

Allele frequency attached by ClinVar (database versions not stated): gnomAD exomes 0.00001; ExAC 0.00002; gnomAD 0.00002 and 0.00003; TOPMed 0.00002; ESP Exome Variant Server 0.00015; 1000 Genomes Project 30x 0.00016; 1000 Genomes Project 0.00020.
gnomAD v4.1: 14 of 1,614,252 alleles (0.00087%); highest among the groups gnomAD compares: East Asian, 0.0022%; no homozygotes.

Submissions (6):

Labcorp Genetics (formerly Invitae), Labcorp
Classification: Likely benign for Neurofibromatosis, type 2. Last evaluated: 2025-12-01. Review status: criteria provided, single submitter. Criteria: Invitae Variant Classification Sherloc (09022015). Collection method: clinical testing. Allele origin: germline.

Ambry Genetics
Classification: Uncertain significance for Hereditary cancer-predisposing syndrome. Last evaluated: 2024-05-25. Review status: criteria provided, single submitter. Criteria: Ambry Variant Classification Scheme 2023. Collection method: clinical testing. Allele origin: germline.
Comment: The p.K228R variant (also known as c.683A>G), located in coding exon 8 of the NF2 gene, results from an A to G substitution at nucleotide position 683. The lysine at codon 228 is replaced by arginine, an amino acid with highly similar properties. This amino acid position is well conserved in available vertebrate species. In addition, this alteration is predicted to be tolerated by in silico analysis. Since supporting evidence is limited at this time, the clinical significance of this alteration remains unclear.

Color Diagnostics, LLC DBA Color Health
Classification: Uncertain significance for Neurofibromatosis, type 2. Last evaluated: 2023-11-16. Review status: criteria provided, single submitter. Criteria: ACMG Guidelines, 2015. Collection method: clinical testing. Allele origin: germline.
Comment: This missense variant replaces lysine with arginine at codon 228 of the NF2 protein. Computational prediction suggests that this variant may not impact protein structure and function. To our knowledge, functional studies have not been reported for this variant. This variant has not been reported in individuals affected with NF2-related disorders in the literature. This variant has been identified in 2/251464 chromosomes in the general population by the Genome Aggregation Database (gnomAD). The available evidence is insufficient to determine the role of this variant in disease conclusively. Therefore, this variant is classified as a Variant of Uncertain Significance.

Baylor Genetics
Classification: Uncertain significance for Familial meningioma. Last evaluated: 2023-10-27. Review status: criteria provided, single submitter. Criteria: ACMG Guidelines, 2015. Collection method: clinical testing. Allele origin: unknown.

GeneDx
Classification: Uncertain significance. Last evaluated: 2023-05-30. Review status: criteria provided, single submitter. Criteria: GeneDx Variant Classification Process June 2021. Collection method: clinical testing. Allele origin: germline. Affected: yes.
Comment: In silico analysis supports that this missense variant does not alter protein structure/function; Has not been previously published as pathogenic or benign to our knowledge; This variant is associated with the following publications: (PMID: 11756419, 16324214)

Genome-Nilou Lab
Classification: Uncertain significance for Neurofibromatosis, type 2. Last evaluated: 2021-11-07. Review status: criteria provided, single submitter. Criteria: ACMG Guidelines, 2015. Collection method: clinical testing. Allele origin: germline. Affected: no.

NM_000268.4(NF2):c.683A>G (p.Lys228Arg)

Gene: NF2 (NF2, moesin-ezrin-radixin like (MERLIN) tumor suppressor; plus strand). Cytogenetic location: 22q12.2.
Variant type: single nucleotide variant.
Coding change: c.683A>G on transcript NM_000268.4 (MANE Select); coding-DNA position 683, A replaced by G.
Protein change: p.Lys228Arg; replaces lysine 228 with arginine.
Molecular consequence: missense variant. On other transcripts: non-coding transcript variant (1), intron variant (1).
Genome position (GRCh38, 1-based): chr22:29,661,212, A>G. VCF-style: chr22-29661212-A-G. GRCh37 (hg19) VCF-style: chr22-30057201-A-G.
Other names: c.683A>G, p.Lys228Arg (NM_016418.5, NM_181825.3, NM_181832.3); c.557A>G, p.Lys186Arg (NM_181828.3); c.560A>G, p.Lys187Arg (NM_181829.3); c.434A>G, p.Lys145Arg (NM_181830.3, NM_181831.3); c.447+18927A>G (NM_181833.3); short protein forms K228R, K186R, K187R, K145R.
Identifiers: ClinVar variation 527691 (VCV000527691.20), dbSNP rs145384260, ClinGen allele CA034790.